The following is an entry in ClinVar:

NM_020184.4(CNNM4):c.1475del (p.Gly492fs)

Gene: CNNM4 (cyclin and CBS domain divalent metal cation transport mediator 4; plus strand). Cytogenetic location: 2q11.2.
Variant type: Deletion.
Coding change: c.1475del on transcript NM_020184.4 (MANE Select); coding-DNA position 1475, one base deleted (G; older notation c.1475delG).
Protein change: p.Gly492fs; shifts the reading frame from glycine 492.
Molecular consequence: frameshift variant.
Genome position (GRCh38, 1-based): chr2:96,797,084, G deleted; the last of 3 consecutive G bases (chr2:96,797,082-96,797,084); deleting any one gives the same sequence. VCF-style (leftmost placement, unchanged base first): chr2-96797081-TG-T. GRCh37 (hg19) VCF-style: chr2-97462818-TG-T.
Other names: short protein forms G492fs.
Identifiers: ClinVar variation 2005741 (VCV002005741.4), dbSNP rs2466424600, ClinGen allele CA2580068328.

ClinVar aggregate classification (germline): Pathogenic (1 of 4 stars; one submission).

Submission:

Labcorp Genetics (formerly Invitae), Labcorp
Classification: Pathogenic. Last evaluated: 2022-06-13. Review status: criteria provided, single submitter. Criteria: Invitae Variant Classification Sherloc (09022015). Collection method: clinical testing. Allele origin: germline.
Comment: For these reasons, this variant has been classified as Pathogenic. This variant has not been reported in the literature in individuals affected with CNNM4-related conditions. This variant is not present in population databases (gnomAD no frequency). This sequence change creates a premature translational stop signal (p.Gly492Alafs*8) in the CNNM4 gene. It is expected to result in an absent or disrupted protein product. Loss-of-function variants in CNNM4 are known to be pathogenic (PMID: 19200525).

Literature cited by the submitters: PubMed 19200525.